The following is an entry in ClinVar:

ClinVar aggregate classification (germline): Uncertain significance. Review status: reviewed by expert panel (3 of 4 stars). 2 submissions from 2 submitters: Uncertain significance (1). 1 of the submissions does not count toward it. Last evaluated 2025-01-15.

Conditions:
Hereditary thrombocytopenia and hematologic cancer predisposition syndrome. Identifiers: Orphanet 71290, MedGen CN281654, MONDO:0011071.
Hereditary thrombocytopenia and hematological cancer predisposition syndrome associated with RUNX1. Also called: RUNX1 Familial Platelet Disorder with Associated Myeloid Malignancies; Familial Platelet Disorder with Propensity to Acute Myelogenous Leukemia; Familial thrombocytopenia with propensity to acute myelogenous leukemia; PLATELET DISORDER, ASPIRIN-LIKE. Identifiers: Orphanet 71290, MedGen C1832388, MeSH C563324, MONDO:0100083, OMIM 601399.

Submissions (2):

ClinGen Myeloid Malignancy Variant Curation Expert Panel
Classification: Uncertain significance for Hereditary thrombocytopenia and hematologic cancer predisposition syndrome. Last evaluated: 2025-01-15. Review status: reviewed by expert panel. Criteria: ClinGen MyeloMalig ACMG Specifications v2. Collection method: curation. Allele origin: germline. Inheritance: Autosomal dominant inheritance.
Comment: NM_001754.5(RUNX1):c.829C>G (p.Pro277Ala) is a missense variant which has a REVEL score < 0.50 (0.466) and a SpliceAI score ≤ 0.20 (0.01) (BP4). This variant is completely absent from all population databases with at least 20x coverage for RUNX1 (PM2_Supporting). In summary, the clinical significance of this variant is uncertain. ACMG/AMP criteria applied, as specified by the Myeloid Malignancy Variant Curation Expert Panel for RUNX1: BP4, PM2_supporting.

Labcorp Genetics (formerly Invitae), Labcorp
Classification: Uncertain significance for Hereditary thrombocytopenia and hematological cancer predisposition syndrome associated with RUNX1. Last evaluated: 2022-01-16. Review status: criteria provided, single submitter. Criteria: Invitae Variant Classification Sherloc (09022015). Collection method: clinical testing. Allele origin: germline. Not counted in ClinVar's aggregate classification.
Comment: In summary, the available evidence is currently insufficient to determine the role of this variant in disease. Therefore, it has been classified as a Variant of Uncertain Significance. Algorithms developed to predict the effect of missense changes on protein structure and function are either unavailable or do not agree on the potential impact of this missense change (SIFT: "Tolerated"; PolyPhen-2: "Possibly Damaging"; Align-GVGD: "Class C0"). This variant has not been reported in the literature in individuals affected with RUNX1-related conditions. This variant is not present in population databases (gnomAD no frequency). This sequence change replaces proline, which is neutral and non-polar, with alanine, which is neutral and non-polar, at codon 277 of the RUNX1 protein (p.Pro277Ala).

NM_001754.5(RUNX1):c.829C>G (p.Pro277Ala)

Gene: RUNX1 (RUNX family transcription factor 1; minus strand). Cytogenetic location: 21q22.12.
Variant type: single nucleotide variant.
Coding change: c.829C>G on transcript NM_001754.5 (MANE Select); coding-DNA position 829, C replaced by G.
Protein change: p.Pro277Ala; replaces proline 277 with alanine.
Molecular consequence: missense variant.
Genome position (GRCh38, 1-based): chr21:34,799,439, G>C on the plus strand (C>G on the coding strand, the complement: RUNX1 is on the minus strand). VCF-style: chr21-34799439-G-C. GRCh37 (hg19) VCF-style: chr21-36171736-G-C.
Other names: NM_001754.5(RUNX1):c.829C>G; p.Pro277Ala; c.748C>G, p.Pro250Ala (NM_001001890.3); short protein forms P277A, P250A.
Identifiers: ClinVar variation 2161020 (VCV002161020.6), dbSNP rs2145909839, ClinGen allele CA410150272.